The following is an entry in ClinVar:

ClinVar aggregate classification (germline): Pathogenic (1 of 4 stars; one submission).

Conditions:
Fanconi anemia complementation group O. Also called: RAD51C-Related Fanconi Anemia. Identifiers: Orphanet 84, MedGen C3150653, MONDO:0013248, OMIM 613390.

Submission:

Labcorp Genetics (formerly Invitae), Labcorp
Classification: Pathogenic for Fanconi anemia, complementation group O. Last evaluated: 2019-10-31. Review status: criteria provided, single submitter. Criteria: Invitae Variant Classification Sherloc (09022015). Collection method: clinical testing. Allele origin: germline.
Comment: This variant is a gross deletion of the genomic region encompassing exons 6 to 9 of the RAD51C gene. The 5' boundary is likely confined to intron 5. The 3' end of this event is unknown as it extends through the termination codon beyond the assayed region for this gene and may encompass additional genes. While this deletion is not anticipated to result in nonsense mediated decay, it is expected to create a truncated protein product or disrupt mRNA translation. This variant has not been reported in the literature in an individual with a RAD51C-related disease. This variant is expected to cause the loss or disruption of 97 C-terminal amino acid residues from the RAD51C protein. While the effect of this particular sequence change on RAD51C function has not been tested, the C-terminal region of RAD51C is known to contain a nuclear localization signal, and the deletion of 11 C-terminal residues leads to cellular mislocalization of the protein, as well as reduced MMC resistance compared to the wild-type protein (PMID: 12966089). For these reasons, this variant has been classified as Pathogenic.

Literature cited by the submitters: PubMed 12966089.

NC_000017.11:g.(?_58720736)_(58734352_?)del

Gene: RAD51C (RAD51 paralog C; plus strand). Cytogenetic location: 17q22.
Variant type: Deletion.
Identifiers: ClinVar variation 833399 (VCV000833399.1).